The following is an entry in ClinVar:

NM_153006.3(NAGS):c.715G>A (p.Val239Ile)

Gene: NAGS (N-acetylglutamate synthase; plus strand). Cytogenetic location: 17q21.31.
Variant type: single nucleotide variant.
Coding change: c.715G>A on transcript NM_153006.3 (MANE Select); coding-DNA position 715, G replaced by A.
Protein change: p.Val239Ile; replaces valine 239 with isoleucine.
Molecular consequence: missense variant.
Genome position (GRCh38, 1-based): chr17:44,006,037, G>A. VCF-style: chr17-44006037-G-A. GRCh37 (hg19) VCF-style: chr17-42083405-G-A.
Other names: short protein forms V239I.
Identifiers: ClinVar variation 639741 (VCV000639741.10), dbSNP rs143427275, ClinGen allele CA8595210.
Genomic context (GRCh38, chr17:44,006,037, plus strand): 5'-CGGCAGGCCTGGAGGGGGCCCTCTCGAGCACCACGTCTGGCCCACAGCTACGGCGGCATC[G>A]TCTCGGTGGAGACAGACCTGCTGCAGTGGTGCCTGGAGTCGGGCAGCATCCCCATCCTGT-3'
Protein context (NP_694551.1, residues 229-249): PAPHASYGGI[Val239Ile]SVETDLLQWC

ClinVar aggregate classification (germline): Uncertain significance. Review status: criteria provided, multiple submitters, no conflicts (2 of 4 stars). 3 submissions from 3 submitters: Uncertain significance (2). 1 of the submissions does not count toward it. Last evaluated 2024-05-30.

Conditions:
Inborn genetic diseases. Identifiers: MedGen C0950123, MeSH D030342.
Hyperammonemia, type III (NAGSD). Also called: Hyperammonemia due to N-acetylglutamate synthase deficiency. Identifiers: Orphanet 927, MedGen C0268543, MONDO:0009377, OMIM 237310.

Allele frequency attached by ClinVar (database versions not stated): gnomAD exomes 0.00001 and 0.00004; ExAC 0.00005; ESP Exome Variant Server 0.00008; gnomAD 0.00008 and 0.00009; TOPMed 0.00010.
gnomAD v4.1: 20 of 1,603,266 alleles (0.0012%); highest among the groups gnomAD compares: African/African-American, 0.025%; no homozygotes.

Submissions (3):

Ambry Genetics
Classification: Uncertain significance for Inborn genetic diseases. Last evaluated: 2024-05-30. Review status: criteria provided, single submitter. Criteria: Ambry Variant Classification Scheme 2023. Collection method: clinical testing. Allele origin: germline.

Labcorp Genetics (formerly Invitae), Labcorp
Classification: Uncertain significance for Hyperammonemia, type III. Last evaluated: 2023-12-06. Review status: criteria provided, single submitter. Criteria: Invitae Variant Classification Sherloc (09022015). Collection method: clinical testing. Allele origin: germline.
Comment: This sequence change replaces valine, which is neutral and non-polar, with isoleucine, which is neutral and non-polar, at codon 239 of the NAGS protein (p.Val239Ile). This variant is present in population databases (rs143427275, gnomAD 0.05%). This variant has not been reported in the literature in individuals affected with NAGS-related conditions. ClinVar contains an entry for this variant (Variation ID: 639741). Advanced modeling of protein sequence and biophysical properties (such as structural, functional, and spatial information, amino acid conservation, physicochemical variation, residue mobility, and thermodynamic stability) performed at Invitae indicates that this missense variant is not expected to disrupt NAGS protein function with a negative predictive value of 80%. In summary, the available evidence is currently insufficient to determine the role of this variant in disease. Therefore, it has been classified as a Variant of Uncertain Significance.

Natera, Inc.
Classification: Uncertain significance for Hyperammonemia type III. Last evaluated: 2020-09-16. Review status: no assertion criteria provided. Collection method: clinical testing. Allele origin: germline. Not counted in ClinVar's aggregate classification.